The following is an entry in ClinVar:

NM_022455.5(NSD1):c.480C>T (p.Asp160=)

Gene: NSD1 (nuclear receptor binding SET domain protein 1; plus strand). Cytogenetic location: 5q35.3.
Variant type: single nucleotide variant.
Coding change: c.480C>T on transcript NM_022455.5 (MANE Select); coding-DNA position 480, C replaced by T.
Protein change: p.Asp160=; no amino-acid change (aspartic acid 160 retained).
Molecular consequence: synonymous variant. On other transcripts: intron variant (8).
Genome position (GRCh38, 1-based): chr5:177,135,583, C>T. VCF-style: chr5-177135583-C-T. GRCh37 (hg19) VCF-style: chr5-176562584-C-T.
Other names: c.480C>T, p.Asp160= (NM_001409301.1, NM_001409302.1, NM_001409303.1); c.417+63C>T (NM_001409304.1); c.-36-358C>T (NM_001409305.1, NM_001409306.1, NM_001409308.1 and 4 more transcripts).
Identifiers: ClinVar variation 261588 (VCV000261588.23), dbSNP rs79427433, ClinGen allele CA3576892.
Genomic context (GRCh38, chr5:177,135,583, plus strand): 5'-AAAAGTAACAAAGACTATCAAGAATGGCTTTCTGCACTTTGAGAATTTTACTTGTGTGGA[C>T]GATGCAGATGTAGATTCTGAAATGGACCCAGAACAGCCAGTCACAGAGGATGAGAGTATA-3'
Protein context (NP_071900.2, residues 150-170): FLHFENFTCV[Asp160=]DADVDSEMDP

ClinVar aggregate classification (germline): Benign/Likely benign. Review status: criteria provided, multiple submitters, no conflicts (2 of 4 stars). 8 submissions from 8 submitters: Benign (6); Likely benign (1). 1 of the submissions does not count toward it. Last evaluated 2026-01-15.

Conditions:
NSD1-related disorder. Also called: NSD1-related condition.
Inborn genetic diseases. Identifiers: MedGen C0950123, MeSH D030342.
Sotos syndrome (SOTOS). Also called: Distinctive facial appearance, overgrowth in childhood, and learning disabilities or delayed development; SOTOS SYNDROME 1; Sotos' syndrome; CHROMOSOME 5q35 DELETION SYNDROME; CEREBRAL GIGANTISM. Identifiers: Orphanet 821, MedGen C0175695, MONDO:0019349, OMIM 117550.

Allele frequency attached by ClinVar (database versions not stated): gnomAD exomes 0.00055 and 0.00203; TOPMed 0.00113; gnomAD 0.00080 and 0.00061; ExAC 0.00191; 1000 Genomes Project 30x 0.00344; 1000 Genomes Project 0.00379.
gnomAD v4.1: 970 of 1,614,056 alleles (0.06%); highest among the groups gnomAD compares: East Asian, 1.9%; 8 homozygotes.

Submissions (8):

Labcorp Genetics (formerly Invitae), Labcorp
Classification: Benign. Last evaluated: 2026-01-15. Review status: criteria provided, single submitter. Criteria: Invitae Variant Classification Sherloc (09022015). Collection method: clinical testing. Allele origin: germline.

ARUP Laboratories, Molecular Genetics and Genomics, ARUP Laboratories
Classification: Benign for Sotos syndrome. Last evaluated: 2024-05-14. Review status: criteria provided, single submitter. Criteria: ARUP Molecular Germline Variant Investigation Process 2024. Collection method: clinical testing. Allele origin: germline.

Fulgent Genetics
Classification: Likely benign for Sotos syndrome. Last evaluated: 2021-08-23. Review status: criteria provided, single submitter. Criteria: ACMG Guidelines, 2015. Collection method: clinical testing. Allele origin: unknown.

Genome-Nilou Lab
Classification: Benign for Sotos syndrome. Last evaluated: 2021-07-15. Review status: criteria provided, single submitter. Criteria: ACMG Guidelines, 2015. Collection method: clinical testing. Allele origin: germline. Affected: no.

GeneDx
Classification: Benign. Last evaluated: 2019-02-08. Review status: criteria provided, single submitter. Criteria: GeneDx Variant Classification Process June 2021. Collection method: clinical testing. Allele origin: germline. Affected: yes.

Ambry Genetics
Classification: Benign for Inborn genetic diseases. Last evaluated: 2016-12-06. Review status: criteria provided, single submitter. Criteria: Ambry Variant Classification Scheme 2023. Collection method: clinical testing. Allele origin: germline.

Eurofins Ntd Llc (ga)
Classification: Benign. Last evaluated: 2015-06-16. Review status: criteria provided, single submitter. Criteria: EGL Classification Definitions 2015. Collection method: clinical testing. Allele origin: germline. Observed: 1 variant allele, 1 heterozygote.

PreventionGenetics, part of Exact Sciences
Classification: Likely benign for NSD1-related condition. Last evaluated: 2019-05-24. Review status: no assertion criteria provided. Collection method: clinical testing. Allele origin: germline. Not counted in ClinVar's aggregate classification.
Comment: This variant is classified as likely benign based on ACMG/AMP sequence variant interpretation guidelines (Richards et al. 2015 PMID: 25741868, with internal and published modifications).